The following is an entry in ClinVar:

Conditions:
Arteriohepatic dysplasia. Also called: Alagille Syndrome. Identifiers: Orphanet 52, MedGen C0085280, MeSH D016738, MONDO:0007318.

Submission:

Gilbert/Spinner Lab, Children's Hospital of Philadelphia
No classification provided (evidence only). Condition: Alagille syndrome. Review status: no classification provided. Collection method: research. Allele origin: not applicable. Functional consequence: functionally_abnormal.
ClinVar note: "not provided" was previously submitted as the classification for the variant. However, the classification appeared to be based only on an observation of functional data so it was converted to no classification on 2025-07-30.

NM_000214.3(JAG1):c.771G>C (p.Trp257Cys)

Gene: JAG1 (jagged canonical Notch ligand 1; minus strand). Cytogenetic location: 20p12.2.
Variant type: single nucleotide variant.
Coding change: c.771G>C on transcript NM_000214.3 (MANE Select); coding-DNA position 771, G replaced by C.
Protein change: p.Trp257Cys; replaces tryptophan 257 with cysteine.
Molecular consequence: missense variant.
Genome position (GRCh38, 1-based): chr20:10,652,583, C>G on the plus strand (G>C on the coding strand, the complement: JAG1 is on the minus strand). VCF-style: chr20-10652583-C-G. GRCh37 (hg19) VCF-style: chr20-10633231-C-G.
Other names: short protein forms W257C.
Identifiers: ClinVar variation 3573368 (VCV003573368.2).